The following is an entry in ClinVar:

ClinVar aggregate classification (germline): Uncertain significance (1 of 4 stars; one submission).

Conditions:
Epileptic encephalopathy. Identifiers: MedGen C0543888, HP:0200134.

Allele frequency attached by ClinVar (database versions not stated): gnomAD exomes below 0.00001 and 0.00001; ExAC 0.00001.
gnomAD v4.1: 4 of 1,609,980 alleles (0.00025%); highest among the groups gnomAD compares: South Asian, 0.0033%; no homozygotes.

Submission:

Labcorp Genetics (formerly Invitae), Labcorp
Classification: Uncertain significance for Epileptic encephalopathy. Last evaluated: 2022-10-05. Review status: criteria provided, single submitter. Criteria: Invitae Variant Classification Sherloc (09022015). Collection method: clinical testing. Allele origin: germline.
Comment: This variant is present in population databases (rs747112237, gnomAD 0.006%). This variant has not been reported in the literature in individuals affected with RYR3-related conditions. This sequence change falls in intron 62 of the RYR3 gene. It does not directly change the encoded amino acid sequence of the RYR3 protein. It affects a nucleotide within the consensus splice site. In summary, the available evidence is currently insufficient to determine the role of this variant in disease. Therefore, it has been classified as a Variant of Uncertain Significance. ClinVar contains an entry for this variant (Variation ID: 847054). Variants that disrupt the consensus splice site are a relatively common cause of aberrant splicing (PMID: 17576681, 9536098). Algorithms developed to predict the effect of sequence changes on RNA splicing suggest that this variant may disrupt the consensus splice site.

Literature cited by the submitters: PubMed 17576681; PubMed 9536098.

NM_001036.6(RYR3):c.8816+5G>A

Gene: RYR3 (ryanodine receptor 3; plus strand). Cytogenetic location: 15q14.
Variant type: single nucleotide variant.
Coding change: c.8816+5G>A on transcript NM_001036.6 (MANE Select); 5 bases into the intron after coding-DNA position 8816, G replaced by A.
Molecular consequence: intron variant.
Genome position (GRCh38, 1-based): chr15:33,769,177, G>A. VCF-style: chr15-33769177-G-A. GRCh37 (hg19) VCF-style: chr15-34061378-G-A.
Other names: c.8816+5G>A (NM_001243996.4).
Identifiers: ClinVar variation 847054 (VCV000847054.7), dbSNP rs747112237, ClinGen allele CA7460337.